The following is an entry in ClinVar:

ClinVar aggregate classification (germline): Likely benign (1 of 4 stars; one submission).

Submission:

Women's Health and Genetics/Laboratory Corporation of America, LabCorp
Classification: Likely benign. Last evaluated: 2025-10-24. Review status: criteria provided, single submitter. Criteria: LabCorp Variant Classification Summary - May 2015. Collection method: clinical testing. Allele origin: germline.
Comment: Variant summary: CCDC82 c.991+17G>A alters a nucleotide located at a position not widely known to affect splicing. Consensus agreement among computation tools predict no significant impact on normal splicing. However, these predictions have yet to be confirmed by functional studies. The variant was absent in 243520 control chromosomes. The available data on variant occurrences in the general population are insufficient to allow any conclusion about variant significance. To our knowledge, no occurrence of c.991+17G>A in individuals affected with CCDC82-related conditions and no experimental evidence demonstrating its impact on protein function have been reported. No submitters have cited clinical-significance assessments for this variant to ClinVar. Based on the evidence outlined above, the variant was classified as likely benign.

NM_024725.4(CCDC82):c.991+17G>A

Gene: CCDC82 (coiled-coil domain containing 82; minus strand). Cytogenetic location: 11q21.
Variant type: single nucleotide variant.
Coding change: c.991+17G>A on transcript NM_024725.4 (MANE Select); 17 bases into the intron after coding-DNA position 991, G replaced by A.
Molecular consequence: intron variant. On other transcripts: synonymous variant (1).
Genome position (GRCh38, 1-based): chr11:96,383,252, C>T on the plus strand (G>A on the coding strand, the complement: CCDC82 is on the minus strand). VCF-style: chr11-96383252-C-T. GRCh37 (hg19) VCF-style: chr11-96116416-C-T.
Other names: c.1008G>A, p.Lys336= (NM_001318737.3); c.991+17G>A (NM_001437542.1, NM_001318736.2); c.922+17G>A (NM_001363594.2).
Identifiers: ClinVar variation 4687763 (VCV004687763.1).